The following is an entry in ClinVar:

ClinVar aggregate classification (germline): Pathogenic/Likely pathogenic. Review status: criteria provided, multiple submitters, no conflicts (2 of 4 stars). 2 submissions from 2 submitters: Pathogenic (1); Likely pathogenic (1). Last evaluated 2025-11-14.

Conditions:
Rhizomelic chondrodysplasia punctata (RCDP). Identifiers: Orphanet 177, MedGen C0282529, MONDO:0015776. Disease mechanism: loss of function.
Peroxisome biogenesis disorder. Identifiers: Orphanet 79189, MedGen C1832200, MONDO:0019234. Disease mechanism: loss of function.

Submissions (2):

Myriad Genetics, Inc.
Classification: Pathogenic for Peroxisome biogenesis disorder. Last evaluated: 2025-11-14. Review status: criteria provided, single submitter. Criteria: Myriad Autosomal Dominant, Autosomal Recessive and X-Linked Classification Criteria (2023). Collection method: clinical testing. Allele origin: unknown.
Comment: NM_000288.3(PEX7):c.4_10dup7(V4Efs*54) is a frameshift variant classified as pathogenic in the context of PEX7-related disorders. V4Efs*54 has not been observed in cases with relevant disease. Relevant functional assessments of this variant are not available in the literature. V4Efs*54 has not been observed in referenced population frequency databases. In summary, NM_000288.3(PEX7):c.4_10dup7(V4Efs*54) is a frameshift variant in a gene where loss of function is a known mechanism of disease and is predicted to disrupt protein function. Please note: this variant was assessed in the context of healthy population screening.

Natera, Inc.
Classification: Likely pathogenic for Rhizomelic Chondrodysplasia Punctata. Last evaluated: 2024-05-02. Review status: criteria provided, single submitter. Criteria: Natera Variant Classification Schema (03/2026). Collection method: clinical testing. Allele origin: germline.
Comment: The c.4_10dupAGTGCGG variant in PEX7 is a frameshift variant predicted to shift the reading frame beginning at codon 4 and leads to a stop codon 54 codons downstream. This variant is expected to result in nonsense mediated decay, truncation, or a dysfunctional protein product. This variant is rare in the general population with a frequency below the threshold expected for the associated phenotype(s). Given the available evidence, this variant is classified as Likely Pathogenic.

NM_000288.4(PEX7):c.4_10dup (p.Val4fs)

Gene: PEX7 (peroxisomal biogenesis factor 7; plus strand). Cytogenetic location: 6q23.3.
Variant type: Duplication.
Coding change: c.4_10dup on transcript NM_000288.4 (MANE Select); coding-DNA positions 4 to 10, 7 bases duplicated (AGTGCGG; older notation c.4_10dupAGTGCGG).
Protein change: p.Val4fs; shifts the reading frame from valine 4.
Molecular consequence: frameshift variant, initiator codon variant.
Genome position (GRCh38, 1-based): chr6:136,822,669-136,822,675, AGTGCGG duplicated; duplicating any 7 consecutive bases within chr6:136,822,668-136,822,675 gives the same sequence; the c. name uses the placement nearest the transcript's 3' end. VCF-style (leftmost placement, unchanged base first): chr6-136822667-T-TGAGTGCG. GRCh37 (hg19) VCF-style: chr6-137143805-T-TGAGTGCG.
Other names: short protein forms V4fs.
Identifiers: ClinVar variation 4818126 (VCV004818126.2).